The following is an entry in ClinVar:

ClinVar aggregate classification (germline): Uncertain significance (1 of 4 stars; one submission).

gnomAD v4.1: 1 of 1,613,320 alleles (0.000062%); highest among the groups gnomAD compares: African/African-American, 0.0013%; no homozygotes.

Submission:

Women's Health and Genetics/Laboratory Corporation of America, LabCorp
Classification: Uncertain significance. Last evaluated: 2023-12-26. Review status: criteria provided, single submitter. Criteria: LabCorp Variant Classification Summary - May 2015. Collection method: clinical testing. Allele origin: germline.
Comment: Variant summary: LONP1 c.1026G>C (p.Glu342Asp) results in a conservative amino acid change located in the Lon protease, N-terminal domain (IPR003111) of the encoded protein sequence. Four of five in-silico tools predict a benign effect of the variant on protein function. The variant was absent in 250342 control chromosomes (gnomAD). The available data on variant occurrences in the general population are insufficient to allow any conclusion about variant significance. To our knowledge, no occurrence of c.1026G>C in individuals affected with CODAS Syndrome and no experimental evidence demonstrating its impact on protein function have been reported. No submitters have cited clinical-significance assessments for this variant to ClinVar after 2014. Based on the evidence outlined above, the variant was classified as uncertain significance.

NM_004793.4(LONP1):c.1026G>C (p.Glu342Asp)

Gene: LONP1 (lon peptidase 1, mitochondrial; minus strand). Cytogenetic location: 19p13.3.
Variant type: single nucleotide variant.
Coding change: c.1026G>C on transcript NM_004793.4 (MANE Select); coding-DNA position 1026, G replaced by C.
Protein change: p.Glu342Asp; replaces glutamic acid 342 with aspartic acid.
Molecular consequence: missense variant. On other transcripts: non-coding transcript variant (1).
Genome position (GRCh38, 1-based): chr19:5,707,733, C>G on the plus strand (G>C on the coding strand, the complement: LONP1 is on the minus strand). VCF-style: chr19-5707733-C-G. GRCh37 (hg19) VCF-style: chr19-5707744-C-G.
Other names: c.834G>C, p.Glu278Asp (NM_001276479.2); c.438G>C, p.Glu146Asp (NM_001276480.1); short protein forms E146D, E278D, E342D.
Identifiers: ClinVar variation 2691409 (VCV002691409.1), dbSNP rs780754614, ClinGen allele CA403535924.